The following is an entry in ClinVar:

ClinVar aggregate classification (germline): Uncertain significance (1 of 4 stars; one submission).

Submission:

GeneDx
Classification: Uncertain significance. Last evaluated: 2024-02-22. Review status: criteria provided, single submitter. Criteria: GeneDx Variant Classification Process June 2021. Collection method: clinical testing. Allele origin: germline. Affected: yes.
Comment: Not observed at significant frequency in large population cohorts (gnomAD); In silico analysis supports that this missense variant has a deleterious effect on protein structure/function; Has not been previously published as pathogenic or benign to our knowledge

NM_015057.5(MYCBP2):c.12329T>C (p.Leu4110Pro)

Gene: MYCBP2 (MYC binding protein 2; minus strand). Cytogenetic location: 13q22.3.
Variant type: single nucleotide variant.
Coding change: c.12329T>C on transcript NM_015057.5 (MANE Select); coding-DNA position 12329, T replaced by C.
Protein change: p.Leu4110Pro; replaces leucine 4110 with proline.
Molecular consequence: missense variant.
Genome position (GRCh38, 1-based): chr13:77,067,707, A>G on the plus strand (T>C on the coding strand, the complement: MYCBP2 is on the minus strand). VCF-style: chr13-77067707-A-G. GRCh37 (hg19) VCF-style: chr13-77641842-A-G.
Other names: short protein forms L4110P.
Identifiers: ClinVar variation 3369644 (VCV003369644.1).